The following is an entry in ClinVar:

NM_015164.4(PLEKHM2):c.2289C>A (p.Cys763Ter)

Gene: PLEKHM2 (pleckstrin homology and RUN domain containing M2; plus strand). Cytogenetic location: 1p36.21.
Variant type: single nucleotide variant.
Coding change: c.2289C>A on transcript NM_015164.4 (MANE Select); coding-DNA position 2289, C replaced by A.
Protein change: p.Cys763Ter; replaces cysteine 763 with a stop codon.
Molecular consequence: nonsense.
Genome position (GRCh38, 1-based): chr1:15,730,612, C>A. VCF-style: chr1-15730612-C-A. GRCh37 (hg19) VCF-style: chr1-16057107-C-A.
Other names: short protein forms C763*.
Identifiers: ClinVar variation 1517224 (VCV001517224.6), dbSNP rs762871052, ClinGen allele CA338570807.
Genomic context (GRCh38, chr1:15,730,612, plus strand): 5'-CTTCTACGGCCTTGTGCACTGGGAGGACCCCACAGACGAGTCCCTGGGCCCCACGCCCTG[C>A]CACTGCTCACCCCCCGAGGGCACCATCACCAAAGAAGGCATGCTGCACTACAAGGCGGGC-3'

ClinVar aggregate classification (germline): Uncertain significance (1 of 4 stars; one submission).

Submission:

Labcorp Genetics (formerly Invitae), Labcorp
Classification: Uncertain significance. Last evaluated: 2021-06-12. Review status: criteria provided, single submitter. Criteria: Invitae Variant Classification Sherloc (09022015). Collection method: clinical testing. Allele origin: germline.
Comment: In summary, the available evidence is currently insufficient to determine the role of this variant in disease. Therefore, it has been classified as a Variant of Uncertain Significance. This variant has not been reported in the literature in individuals with PLEKHM2-related conditions. This variant is not present in population databases (ExAC no frequency). This sequence change creates a premature translational stop signal (p.Cys763*) in the PLEKHM2 gene. It is expected to result in an absent or disrupted protein product. However, the current clinical and genetic evidence is not sufficient to establish whether loss-of-function variants in PLEKHM2 cause disease.